The following is an entry in ClinVar:

NM_014762.4(DHCR24):c.121C>G (p.Pro41Ala)

Gene: DHCR24 (24-dehydrocholesterol reductase; minus strand). Cytogenetic location: 1p32.3.
Variant type: single nucleotide variant.
Coding change: c.121C>G on transcript NM_014762.4 (MANE Select); coding-DNA position 121, C replaced by G.
Protein change: p.Pro41Ala; replaces proline 41 with alanine.
Molecular consequence: missense variant.
Genome position (GRCh38, 1-based): chr1:54,886,999, G>C on the plus strand (C>G on the coding strand, the complement: DHCR24 is on the minus strand). VCF-style: chr1-54886999-G-C. GRCh37 (hg19) VCF-style: chr1-55352672-G-C.
Other names: short protein forms P41A.
Identifiers: ClinVar variation 4690563 (VCV004690563.1).

ClinVar aggregate classification (germline): Uncertain significance (1 of 4 stars; one submission).

gnomAD v4.1: 117 of 1,613,672 alleles (0.0073%); highest among the groups gnomAD compares: South Asian, 0.13%; no homozygotes.

Submission:

Labcorp Genetics (formerly Invitae), Labcorp
Classification: Uncertain significance. Last evaluated: 2026-01-08. Review status: criteria provided, single submitter. Criteria: Invitae Variant Classification Sherloc (09022015). Collection method: clinical testing. Allele origin: germline.
Comment: This sequence change replaces proline, which is neutral and non-polar, with alanine, which is neutral and non-polar, at codon 41 of the DHCR24 protein (p.Pro41Ala). This variant is present in population databases (rs560866193, gnomAD 0.09%). This variant has not been reported in the literature in individuals affected with DHCR24-related conditions. An algorithm developed to predict the effect of missense changes on protein structure and function (PolyPhen-2) suggests that this variant is likely to be disruptive. In summary, the available evidence is currently insufficient to determine the role of this variant in disease. Therefore, it has been classified as a Variant of Uncertain Significance.